The following is an entry in ClinVar:

NM_002299.4(LCT):c.1543G>A (p.Val515Met)

Genes: LCT (lactase; minus strand), LOC126806353 (BRD4-independent group 4 enhancer GRCh37_chr2:136574960-136576159; plus strand). Cytogenetic location: 2q21.3.
Variant type: single nucleotide variant.
Coding change: c.1543G>A on transcript NM_002299.4 (MANE Select); coding-DNA position 1543, G replaced by A.
Protein change: p.Val515Met; replaces valine 515 with methionine.
Molecular consequence: missense variant.
Genome position (GRCh38, 1-based): chr2:135,817,505, C>T on the plus strand (G>A on the coding strand, the complement: LCT is on the minus strand). VCF-style: chr2-135817505-C-T. GRCh37 (hg19) VCF-style: chr2-136575075-C-T.
Other names: short protein forms V515M.
Identifiers: ClinVar variation 1939009 (VCV001939009.3), dbSNP rs766975866, ClinGen allele CA1888379.

ClinVar aggregate classification (germline): Uncertain significance (1 of 4 stars; one submission).

Allele frequency attached by ClinVar (database versions not stated): gnomAD exomes 0.00001; TOPMed 0.00001; ExAC 0.00002; gnomAD 0.00002.
gnomAD v4.1: 14 of 1,614,232 alleles (0.00087%); highest among the groups gnomAD compares: Admixed American, 0.0083%; no homozygotes.

Submission:

Labcorp Genetics (formerly Invitae), Labcorp
Classification: Uncertain significance. Last evaluated: 2022-06-18. Review status: criteria provided, single submitter. Criteria: Invitae Variant Classification Sherloc (09022015). Collection method: clinical testing. Allele origin: germline.
Comment: Algorithms developed to predict the effect of missense changes on protein structure and function output the following: SIFT: "Not Available"; PolyPhen-2: "Benign"; Align-GVGD: "Not Available". The methionine amino acid residue is found in multiple mammalian species, which suggests that this missense change does not adversely affect protein function. This variant has not been reported in the literature in individuals affected with LCT-related conditions. This variant is present in population databases (rs766975866, gnomAD 0.009%). This sequence change replaces valine, which is neutral and non-polar, with methionine, which is neutral and non-polar, at codon 515 of the LCT protein (p.Val515Met). In summary, the available evidence is currently insufficient to determine the role of this variant in disease. Therefore, it has been classified as a Variant of Uncertain Significance.